The following is an entry in ClinVar:

NM_000035.4(ALDOB):c.914C>T (p.Ala305Val)

Gene: ALDOB (aldolase, fructose-bisphosphate B; minus strand). Cytogenetic location: 9q31.1.
Variant type: single nucleotide variant.
Coding change: c.914C>T on transcript NM_000035.4 (MANE Select); coding-DNA position 914, C replaced by T.
Protein change: p.Ala305Val; replaces alanine 305 with valine.
Molecular consequence: missense variant.
Genome position (GRCh38, 1-based): chr9:101,424,928, G>A on the plus strand (C>T on the coding strand, the complement: ALDOB is on the minus strand). VCF-style: chr9-101424928-G-A. GRCh37 (hg19) VCF-style: chr9-104187210-G-A.
Other names: short protein forms A305V.
Identifiers: ClinVar variation 1196790 (VCV001196790.2), dbSNP rs1322689394, ClinGen allele CA374264356.

ClinVar aggregate classification (germline): Likely pathogenic (1 of 4 stars; one submission).

Allele frequency attached by ClinVar (database versions not stated): TOPMed below 0.00001.

Submission:

GeneDx
Classification: Likely pathogenic. Last evaluated: 2019-09-04. Review status: criteria provided, single submitter. Criteria: GeneDx Variant Classification Process June 2021. Collection method: clinical testing. Allele origin: germline. Affected: yes.
Comment: Not observed in large population cohorts (Lek et al., 2016); In silico analysis, which includes protein predictors and evolutionary conservation, supports a deleterious effect; Has not been previously published as pathogenic or benign to our knowledge